The following is an entry in ClinVar:

NM_014159.7(SETD2):c.79G>C (p.Glu27Gln)

Gene: SETD2 (SET domain containing 2, histone lysine methyltransferase; minus strand). Cytogenetic location: 3p21.31.
Variant type: single nucleotide variant.
Coding change: c.79G>C on transcript NM_014159.7 (MANE Select); coding-DNA position 79, G replaced by C.
Protein change: p.Glu27Gln; replaces glutamic acid 27 with glutamine.
Molecular consequence: missense variant. On other transcripts: non-coding transcript variant (1), intron variant (1).
Genome position (GRCh38, 1-based): chr3:47,126,656, C>G on the plus strand (G>C on the coding strand, the complement: SETD2 is on the minus strand). VCF-style: chr3-47126656-C-G. GRCh37 (hg19) VCF-style: chr3-47168146-C-G.
Other names: c.-45-2108G>C (NM_001349370.3); short protein forms E27Q.
Identifiers: ClinVar variation 1800819 (VCV001800819.3), dbSNP rs2545662505, ClinGen allele CA352540023.

ClinVar aggregate classification (germline): Conflicting classifications of pathogenicity. Review status: criteria provided, conflicting classifications (1 of 4 stars). 2 submissions from 2 submitters: Uncertain significance (1); Likely benign (1). Last evaluated 2025-11-06.

Conditions:
Rabin-Pappas syndrome. Identifiers: MedGen C5774269, MONDO:0859331, OMIM 620155.
Intellectual developmental disorder, autosomal dominant 70. Identifiers: MedGen C5774271, MONDO:0859333, OMIM 620157.
Luscan-Lumish syndrome. Identifiers: Orphanet 597738, MedGen C4085873, MONDO:0014791, OMIM 616831.

Submissions (2):

GeneDx
Classification: Uncertain significance. Last evaluated: 2025-11-06. Review status: criteria provided, single submitter. Criteria: GeneDx Variant Classification Process June 2021. Collection method: clinical testing. Allele origin: germline.
Comment: Not observed at significant frequency in large population cohorts (gnomAD); In silico analysis suggests that this missense variant does not alter protein structure/function; Has not been previously published as pathogenic or benign to our knowledge

3billion
Classification: Likely benign for Intellectual developmental disorder, autosomal dominant 70; Luscan-Lumish syndrome; Rabin-Pappas syndrome. Last evaluated: 2024-09-20. Review status: criteria provided, single submitter. Criteria: ACMG Guidelines, 2015. Collection method: clinical testing. Allele origin: germline. Affected: no.
Comment: The variant was identified in at least one patient who was diagnosed with a different variant in another gene and showed no symptoms related to the gene containing the variant in question.